The following is an entry in ClinVar:

ClinVar aggregate classification (germline): Uncertain significance (1 of 4 stars; one submission).

Submission:

Labcorp Genetics (formerly Invitae), Labcorp
Classification: Uncertain significance. Last evaluated: 2024-09-06. Review status: criteria provided, single submitter. Criteria: Invitae Variant Classification Sherloc (09022015). Collection method: clinical testing. Allele origin: germline.
Comment: This sequence change replaces glutamine, which is neutral and polar, with proline, which is neutral and non-polar, at codon 2968 of the LRP2 protein (p.Gln2968Pro). This variant is not present in population databases (gnomAD no frequency). This variant has not been reported in the literature in individuals affected with LRP2-related conditions. Invitae Evidence Modeling of protein sequence and biophysical properties (such as structural, functional, and spatial information, amino acid conservation, physicochemical variation, residue mobility, and thermodynamic stability) indicates that this missense variant is not expected to disrupt LRP2 protein function with a negative predictive value of 95%. In summary, the available evidence is currently insufficient to determine the role of this variant in disease. Therefore, it has been classified as a Variant of Uncertain Significance.

NM_004525.3(LRP2):c.8903A>C (p.Gln2968Pro)

Gene: LRP2 (LDL receptor related protein 2; minus strand). Cytogenetic location: 2q31.1.
Variant type: single nucleotide variant.
Coding change: c.8903A>C on transcript NM_004525.3 (MANE Select); coding-DNA position 8903, A replaced by C.
Protein change: p.Gln2968Pro; replaces glutamine 2968 with proline.
Molecular consequence: missense variant.
Genome position (GRCh38, 1-based): chr2:169,191,961, T>G on the plus strand (A>C on the coding strand, the complement: LRP2 is on the minus strand). VCF-style: chr2-169191961-T-G. GRCh37 (hg19) VCF-style: chr2-170048471-T-G.
Other names: short protein forms Q2968P.
Identifiers: ClinVar variation 2742224 (VCV002742224.3), dbSNP rs2545770543, ClinGen allele CA349159418.
Genomic context (GRCh38, chr2:169,191,961, plus strand): 5'-CAATTCTGATTCTCATCGTAGCCGTCAGTACAATCCACATCGCCATCACAGACCCAAGAC[T>G]GGGGAATGCACCTCCTGTCCGGAGGTCTGTCATTTACACAGAGAAACTCGGAATCCGAGC-3'
Protein context (NP_004516.2, residues 2958-2978): DRPPDRRCIP[Gln2968Pro]SWVCDGDVDC